The following is an entry in ClinVar:

NM_001365536.1(SCN9A):c.965+18T>C

Genes: SCN9A (sodium voltage-gated channel alpha subunit 9; minus strand), SCN1A-AS1 (SCN1A and SCN9A antisense RNA 1; plus strand). Cytogenetic location: 2q24.3.
Variant type: single nucleotide variant.
Coding change: c.965+18T>C on transcript NM_001365536.1 (MANE Select); 18 bases into the intron after coding-DNA position 965, T replaced by C.
Molecular consequence: intron variant. On other transcripts: non-coding transcript variant (1).
Genome position (GRCh38, 1-based): chr2:166,294,581, A>G on the plus strand (T>C on the coding strand, the complement: SCN9A is on the minus strand). VCF-style: chr2-166294581-A-G. GRCh37 (hg19) VCF-style: chr2-167151091-A-G.
Other names: c.965+18T>C (NM_002977.4).
Identifiers: ClinVar variation 507716 (VCV000507716.9), dbSNP rs1553492740, ClinGen allele CA429906098.

ClinVar aggregate classification (germline): Likely benign. Review status: criteria provided, multiple submitters, no conflicts (2 of 4 stars). 2 submissions from 2 submitters: Likely benign (2). Last evaluated 2021-06-13.

Conditions:
Generalized epilepsy with febrile seizures plus, type 7 (GEFSP7). Also called: GEFS+, TYPE 7. Identifiers: Orphanet 36387, MedGen C2751778, MONDO:0013470, OMIM 613863.
Neuropathy, hereditary sensory and autonomic, type 2A (HSAN2A). Also called: HSAN IIA; NEUROPATHY, CONGENITAL SENSORY; NEUROPATHY, HEREDITARY SENSORY RADICULAR, AUTOSOMAL RECESSIVE; NEUROPATHY, HEREDITARY SENSORY, TYPE IIA; NEUROPATHY, PROGRESSIVE SENSORY, OF CHILDREN; WNK1-Related HSAN2 (HSAN2A). Identifiers: Orphanet 970, MedGen C2752089, MONDO:0024309, OMIM 201300.

Submissions (2):

Labcorp Genetics (formerly Invitae), Labcorp
Classification: Likely benign for Neuropathy, hereditary sensory and autonomic, type 2A; Generalized epilepsy with febrile seizures plus, type 7. Last evaluated: 2021-06-13. Review status: criteria provided, single submitter. Criteria: Invitae Variant Classification Sherloc (09022015). Collection method: clinical testing. Allele origin: germline.

GeneDx
Classification: Likely benign. Last evaluated: 2017-02-28. Review status: criteria provided, single submitter. Criteria: GeneDx Variant Classification (06012015). Collection method: clinical testing. Allele origin: germline. Affected: yes.
Comment: This variant is considered likely benign or benign based on one or more of the following criteria: it is a conservative change, it occurs at a poorly conserved position in the protein, it is predicted to be benign by multiple in silico algorithms, and/or has population frequency not consistent with disease.